The following is an entry in ClinVar:

NM_080680.3(COL11A2):c.3309A>G (p.Glu1103=)

Gene: COL11A2 (collagen type XI alpha 2 chain; minus strand). Cytogenetic location: 6p21.32.
Variant type: single nucleotide variant.
Coding change: c.3309A>G on transcript NM_080680.3 (MANE Select); coding-DNA position 3309, A replaced by G.
Protein change: p.Glu1103=; no amino-acid change (glutamic acid 1103 retained).
Molecular consequence: synonymous variant.
Genome position (GRCh38, 1-based): chr6:33,171,274, T>C on the plus strand (A>G on the coding strand, the complement: COL11A2 is on the minus strand). VCF-style: chr6-33171274-T-C. GRCh37 (hg19) VCF-style: chr6-33139051-T-C.
Other names: c.3129A>G, p.Glu1043= (NM_001424108.1); c.2463A>G, p.Glu821= (NM_001424109.1); c.2283A>G, p.Glu761= (NM_001424110.1, NM_001424111.1); c.1263A>G, p.Glu421= (NM_001424112.1); c.2988A>G, p.Glu996= (NM_080679.3); c.3051A>G, p.Glu1017= (NM_080681.3).
Identifiers: ClinVar variation 2710001 (VCV002710001.3), dbSNP rs2534817255, ClinGen allele CA449876723.
Genomic context (GRCh38, chr6:33,171,274, plus strand): 5'-CAGGTGGGACTGAGGTTAAAGGCCAGGAGGTCAGAAGTCAAGGTCATGGACACTTACATG[T>C]TCACCCTTGTTCCCTTTGGTGCCCTTCTGTCCGGGGTCCCCCACCTCACCCTGGGAGGAG-3'
Protein context (NP_542411.2, residues 1093-1113): GQKGTKGNKG[Glu1103=]HGPPGPPGPI

ClinVar aggregate classification (germline): Uncertain significance (1 of 4 stars; one submission).

Submission:

Labcorp Genetics (formerly Invitae), Labcorp
Classification: Uncertain significance. Last evaluated: 2024-01-18. Review status: criteria provided, single submitter. Criteria: Invitae Variant Classification Sherloc (09022015). Collection method: clinical testing. Allele origin: germline.
Comment: This sequence change affects codon 1103 of the COL11A2 mRNA. It is a 'silent' change, meaning that it does not change the encoded amino acid sequence of the COL11A2 protein. This variant is not present in population databases (gnomAD no frequency). This variant has not been reported in the literature in individuals affected with COL11A2-related conditions. Algorithms developed to predict the effect of sequence changes on RNA splicing suggest that this variant may create or strengthen a splice site. In summary, the available evidence is currently insufficient to determine the role of this variant in disease. Therefore, it has been classified as a Variant of Uncertain Significance.